The following is an entry in ClinVar:

ClinVar aggregate classification (germline): Uncertain significance (1 of 4 stars; one submission).

Conditions:
Autosomal dominant hypocalcemia 1 (HYPOC1). Also called: HYPOCALCEMIA, FAMILIAL. Identifiers: MedGen C3715128, MONDO:0011013, OMIM 601198.
Familial hypocalciuric hypercalcemia (FHH). Also called: Familial benign hypercalcemia. Identifiers: Orphanet 405, MedGen C1809471, MONDO:0018458.

Submission:

Labcorp Genetics (formerly Invitae), Labcorp
Classification: Uncertain significance for Familial hypocalciuric hypercalcemia; Autosomal dominant hypocalcemia 1. Last evaluated: 2023-07-06. Review status: criteria provided, single submitter. Criteria: Invitae Variant Classification Sherloc (09022015). Collection method: clinical testing. Allele origin: germline.
Comment: This sequence change replaces glutamic acid, which is acidic and polar, with aspartic acid, which is acidic and polar, at codon 277 of the CASR protein (p.Glu277Asp). This variant is not present in population databases (gnomAD no frequency). This variant has not been reported in the literature in individuals affected with CASR-related conditions. ClinVar contains an entry for this variant (Variation ID: 2196692). An algorithm developed to predict the effect of missense changes on protein structure and function (PolyPhen-2) suggests that this variant is likely to be tolerated. In summary, the available evidence is currently insufficient to determine the role of this variant in disease. Therefore, it has been classified as a Variant of Uncertain Significance.

NM_000388.4(CASR):c.831G>C (p.Glu277Asp)

Gene: CASR (calcium sensing receptor; plus strand). Cytogenetic location: 3q21.1.
Variant type: single nucleotide variant.
Coding change: c.831G>C on transcript NM_000388.4 (MANE Select); coding-DNA position 831, G replaced by C.
Protein change: p.Glu277Asp; replaces glutamic acid 277 with aspartic acid.
Molecular consequence: missense variant.
Genome position (GRCh38, 1-based): chr3:122,261,866, G>C. VCF-style: chr3-122261866-G-C. GRCh37 (hg19) VCF-style: chr3-121980713-G-C.
Other names: c.831G>C, p.Glu277Asp (NM_001178065.2); short protein forms E277D.
Identifiers: ClinVar variation 2196692 (VCV002196692.4), dbSNP rs2107632344, ClinGen allele CA354151448.